The following is an entry in ClinVar:

NM_000321.3(RB1):c.1215+2T>G

Gene: RB1 (RB transcriptional corepressor 1; plus strand). Cytogenetic location: 13q14.2.
Variant type: single nucleotide variant.
Coding change: c.1215+2T>G on transcript NM_000321.3 (MANE Select); the canonical splice donor site of the intron after coding-DNA position 1215, T replaced by G.
Molecular consequence: splice donor variant.
Genome position (GRCh38, 1-based): chr13:48,373,494, T>G. VCF-style: chr13-48373494-T-G. GRCh37 (hg19) VCF-style: chr13-48947630-T-G.
Other names: c.1215+2T>G (NM_001407165.1, NM_001407166.1).
Identifiers: ClinVar variation 410921 (VCV000410921.11), dbSNP rs1060503074, ClinGen allele CA16614303.

ClinVar aggregate classification (germline): Pathogenic. Review status: criteria provided, multiple submitters, no conflicts (2 of 4 stars). 2 submissions from 2 submitters: Pathogenic (2). Last evaluated 2022-01-26.

Conditions:
Hereditary cancer-predisposing syndrome. Also called: Tumor predisposition; Hereditary Cancer Syndrome; Hereditary neoplastic syndrome; Neoplastic Syndromes, Hereditary. Identifiers: Orphanet 140162, MedGen C0027672, MeSH D009386, MONDO:0015356.
Retinoblastoma (RB1). Also called: RETINOBLASTOMA, SOMATIC. Identifiers: Orphanet 790, MedGen C0035335, MeSH D012175, MONDO:0008380, OMIM 180200, HP:0009919. Disease mechanism: loss of function. Inheritance: Both sporadic and heritable forms are tested..

Submissions (2):

Ambry Genetics
Classification: Pathogenic for Hereditary cancer-predisposing syndrome. Last evaluated: 2022-01-26. Review status: criteria provided, single submitter. Criteria: Ambry Variant Classification Scheme 2023. Collection method: clinical testing. Allele origin: germline.
Comment: The c.1215+2T>G intronic pathogenic mutation results from a T to G substitution two nucleotides after coding exon 12 in the RB1 gene. This alteration has been observed in at least one individual with a personal and/or family history that is consistent with RB1-related disease (Ambry internal data). This nucleotide position is highly conserved in available vertebrate species. In silico splice site analysis predicts that this alteration will weaken the native splice donor site; however, direct evidence is insufficient at this time (Ambry internal data). This variant is considered to be rare based on population cohorts in the Genome Aggregation Database (gnomAD). Alterations that disrupt the canonical splice site are expected to cause aberrant splicing, resulting in an abnormal protein or a transcript that is subject to nonsense-mediated mRNA decay. As such, this alteration is classified as a disease-causing mutation.

Labcorp Genetics (formerly Invitae), Labcorp
Classification: Pathogenic for Retinoblastoma. Last evaluated: 2021-01-11. Review status: criteria provided, single submitter. Criteria: Invitae Variant Classification Sherloc (09022015). Collection method: clinical testing. Allele origin: germline.
Comment: This sequence change affects a donor splice site in intron 12 of the RB1 gene. It is expected to disrupt RNA splicing. Variants that disrupt the donor or acceptor splice site typically lead to a loss of protein function (PMID: 16199547), and loss-of-function variants in RB1 are known to be pathogenic (PMID: 17096365). This variant is not present in population databases (ExAC no frequency). Disruption of this splice site has been observed in individual(s) with bilateral retinoblastoma (PMID: 12541220, 28193182). In at least one individual the variant was observed to be de novo. ClinVar contains an entry for this variant (Variation ID: 410921). Algorithms developed to predict the effect of sequence changes on RNA splicing suggest that this variant may disrupt the consensus splice site, but this prediction has not been confirmed by published transcriptional studies. For these reasons, this variant has been classified as Pathogenic.

Literature cited by the submitters: PubMed 16199547 (cited by Labcorp Genetics (formerly Invitae), Labcorp); PubMed 17096365 (cited by Labcorp Genetics (formerly Invitae), Labcorp); PubMed 12541220 (cited by Labcorp Genetics (formerly Invitae), Labcorp); PubMed 28193182 (cited by Labcorp Genetics (formerly Invitae), Labcorp).